The following is an entry in ClinVar:

ClinVar aggregate classification (germline): Uncertain significance. Review status: criteria provided, multiple submitters, no conflicts (2 of 4 stars). 4 submissions from 4 submitters: Uncertain significance (4). Last evaluated 2026-02-02.

Conditions:
Hereditary cancer-predisposing syndrome. Also called: Tumor predisposition; Neoplastic Syndromes, Hereditary; Hereditary neoplastic syndrome; Hereditary Cancer Syndrome. Identifiers: Orphanet 140162, MedGen C0027672, MeSH D009386, MONDO:0015356.
Familial adenomatous polyposis 1 (FAP1). Also called: FAMILIAL ADENOMATOUS POLYPOSIS 1, ATTENUATED; POLYPOSIS, ADENOMATOUS INTESTINAL. Identifiers: MedGen C2713442, MONDO:0021056, OMIM 175100. Disease mechanism: loss of function.

Allele frequency attached by ClinVar (database versions not stated): gnomAD exomes 0.00001.
gnomAD v4.1: 16 of 1,614,140 alleles (0.00099%); highest among the groups gnomAD compares: Non-Finnish European, 0.0014%; no homozygotes.

Submissions (4):

GeneDx
Classification: Uncertain significance. Last evaluated: 2026-02-02. Review status: criteria provided, single submitter. Criteria: GeneDx Variant Classification Process June 2021. Collection method: clinical testing. Allele origin: germline.
Comment: Not observed at significant frequency in large population cohorts (gnomAD); In silico analysis supports that this missense variant has a deleterious effect on protein structure/function; Has not been previously published as pathogenic or benign to our knowledge; This variant is associated with the following publications: (PMID: 18199528)

Labcorp Genetics (formerly Invitae), Labcorp
Classification: Uncertain significance for Familial adenomatous polyposis 1. Last evaluated: 2025-12-06. Review status: criteria provided, single submitter. Criteria: Invitae Variant Classification Sherloc (09022015). Collection method: clinical testing. Allele origin: germline.
Comment: This sequence change replaces aspartic acid, which is acidic and polar, with histidine, which is basic and polar, at codon 1571 of the APC protein (p.Asp1571His). This variant is present in population databases (no rsID available, gnomAD 0.002%). This variant has not been reported in the literature in individuals affected with APC-related conditions. ClinVar contains an entry for this variant (Variation ID: 1015655). Invitae Evidence Modeling of protein sequence and biophysical properties (such as structural, functional, and spatial information, amino acid conservation, physicochemical variation, residue mobility, and thermodynamic stability) indicates that this missense variant is not expected to disrupt APC protein function with a negative predictive value of 95%. In summary, the available evidence is currently insufficient to determine the role of this variant in disease. Therefore, it has been classified as a Variant of Uncertain Significance.

Ambry Genetics
Classification: Uncertain significance for Hereditary cancer-predisposing syndrome. Last evaluated: 2024-11-09. Review status: criteria provided, single submitter. Criteria: Ambry Variant Classification Scheme 2023. Collection method: clinical testing. Allele origin: germline.
Comment: The p.D1571H variant (also known as c.4711G>C), located in coding exon 15 of the APC gene, results from a G to C substitution at nucleotide position 4711. The aspartic acid at codon 1571 is replaced by histidine, an amino acid with similar properties. This amino acid position is conserved. In addition, in silico predictors for this gene do not accurately predict pathogenicity. Missense alterations in APC are not a common cause of disease (Spier I et al. Genet Med. 2024 Feb;26(2):100992). Since supporting evidence is limited at this time, the clinical significance of this alteration remains unclear.

Molecular Pathology, Peter Maccallum Cancer Centre
Classification: Uncertain significance for Familial adenomatous polyposis 1. Last evaluated: 2024-08-09. Review status: criteria provided, single submitter. Criteria: ACMG Guidelines, 2015. Collection method: clinical testing. Allele origin: germline. Inheritance: Autosomal dominant inheritance.

NM_000038.6(APC):c.4711G>C (p.Asp1571His)

Gene: APC (APC regulator of Wnt signaling pathway; plus strand). Cytogenetic location: 5q22.2.
Variant type: single nucleotide variant.
Coding change: c.4711G>C on transcript NM_000038.6 (MANE Select); coding-DNA position 4711, G replaced by C.
Protein change: p.Asp1571His; replaces aspartic acid 1571 with histidine.
Molecular consequence: missense variant.
Genome position (GRCh38, 1-based): chr5:112,840,305, G>C. VCF-style: chr5-112840305-G-C. GRCh37 (hg19) VCF-style: chr5-112176002-G-C.
Other names: c.4711G>C, p.Asp1571His (NM_001127510.3, NM_001354895.2); c.4657G>C, p.Asp1553His (NM_001127511.3); c.4765G>C, p.Asp1589His (NM_001354896.2); c.4741G>C, p.Asp1581His (NM_001354897.2); c.4636G>C, p.Asp1546His (NM_001354898.2); c.4627G>C, p.Asp1543His (NM_001354899.2); c.4588G>C, p.Asp1530His (NM_001354900.2); c.4534G>C, p.Asp1512His (NM_001354901.2); and 5 more; short protein forms D1288H, D1411H, D1445H, D1470H, D1480H, D1512H, D1530H, D1543H.
Identifiers: ClinVar variation 1015655 (VCV001015655.13), dbSNP rs1306934370, ClinGen allele CA16031662.